The following is an entry in ClinVar:

ClinVar aggregate classification (germline): Uncertain significance (1 of 4 stars; one submission).

Conditions:
Nephronophthisis. Also called: Juvenile Nephronophthisis. Identifiers: Orphanet 655, MedGen C0687120, MONDO:0019005, HP:0000090.

Submission:

Labcorp Genetics (formerly Invitae), Labcorp
Classification: Uncertain significance for Nephronophthisis. Last evaluated: 2022-03-29. Review status: criteria provided, single submitter. Criteria: Invitae Variant Classification Sherloc (09022015). Collection method: clinical testing. Allele origin: germline.
Comment: In summary, the available evidence is currently insufficient to determine the role of this variant in disease. Therefore, it has been classified as a Variant of Uncertain Significance. Algorithms developed to predict the effect of missense changes on protein structure and function (SIFT, PolyPhen-2, Align-GVGD) all suggest that this variant is likely to be tolerated. This variant has not been reported in the literature in individuals affected with NPHP4-related conditions. This variant is not present in population databases (gnomAD no frequency). This sequence change replaces leucine, which is neutral and non-polar, with valine, which is neutral and non-polar, at codon 248 of the NPHP4 protein (p.Leu248Val).

NM_015102.5(NPHP4):c.742C>G (p.Leu248Val)

Gene: NPHP4 (nephrocystin 4; minus strand). Cytogenetic location: 1p36.31.
Variant type: single nucleotide variant.
Coding change: c.742C>G on transcript NM_015102.5 (MANE Select); coding-DNA position 742, C replaced by G.
Protein change: p.Leu248Val; replaces leucine 248 with valine.
Molecular consequence: missense variant. On other transcripts: 5 prime UTR variant (1), non-coding transcript variant (1), intron variant (1).
Genome position (GRCh38, 1-based): chr1:5,952,768, G>C on the plus strand (C>G on the coding strand, the complement: NPHP4 is on the minus strand). VCF-style: chr1-5952768-G-C. GRCh37 (hg19) VCF-style: chr1-6012828-G-C.
Other names: c.-625C>G (NM_001291594.2); c.-556-4517C>G (NM_001291593.2); short protein forms L248V.
Identifiers: ClinVar variation 2119602 (VCV002119602.4), dbSNP rs868409621, ClinGen allele CA338066892.
Genomic context (GRCh38, chr1:5,952,768, plus strand): 5'-AGTGGTCCTGGACGTGGAGCTCCAGCAGCTCTTCCTCAAACTTCTCCAGGGAGGGGTACA[G>C]GGTGAAGAATAAGTCATCCAAGTGCCCCGTGATGGGCTTCTGGAGGCGAGGCTTTCGGAG-3'
Protein context (NP_055917.1, residues 238-258): TGHLDDLFFT[Leu248Val]YPSLEKFEEE